The following is an entry in ClinVar:

NM_024675.4(PALB2):c.224_228del (p.Lys75fs)

Gene: PALB2 (partner and localizer of BRCA2; minus strand). Cytogenetic location: 16p12.2.
Variant type: Microsatellite.
Coding change: c.224_228del on transcript NM_024675.4 (MANE Select); coding-DNA positions 224 to 228, 5 bases deleted (AAATA; older notation c.224_228delAAATA).
Protein change: p.Lys75fs; shifts the reading frame from lysine 75.
Molecular consequence: frameshift variant.
Genome position (GRCh38, 1-based): chr16:23,636,318-23,636,322, TATTT deleted on the plus strand (AAATA on the coding strand, the reverse complement: PALB2 is on the minus strand); deleting any 5 consecutive bases within chr16:23,636,318-23,636,328 gives the same sequence; the c. name uses the placement nearest the transcript's 3' end. VCF-style (leftmost placement, unchanged base first): chr16-23636317-ATATTT-A. GRCh37 (hg19) VCF-style: chr16-23647638-ATATTT-A.
Other names: c.224_228delAAATA (NM_024675.3); short protein forms K75fs.
Identifiers: ClinVar variation 422222 (VCV000422222.20), dbSNP rs1064795640, ClinGen allele CA16620161.

ClinVar aggregate classification (germline): Pathogenic/Likely pathogenic. Review status: criteria provided, multiple submitters, no conflicts (2 of 4 stars). 7 submissions from 7 submitters: Pathogenic (4); Likely pathogenic (3). Last evaluated 2026-08-06.

Conditions:
Breast-ovarian cancer, familial, susceptibility to, 5 (BROVCA5). Identifiers: MedGen C5830615, MONDO:0957530, OMIM 620442.
Hereditary cancer-predisposing syndrome. Also called: Tumor predisposition; Neoplastic Syndromes, Hereditary; Hereditary Cancer Syndrome; Hereditary neoplastic syndrome. Identifiers: Orphanet 140162, MedGen C0027672, MeSH D009386, MONDO:0015356.
Familial cancer of breast. Also called: BREAST CANCER, FAMILIAL; hereditary breast carcinoma; Hereditary breast cancer. Identifiers: Orphanet 227535, MedGen C0346153, MONDO:0016419, OMIM 114480. Disease mechanism: loss of function.

Submissions (7):

OLLIN Analises Genomicas, OLLIN
Classification: Likely pathogenic for Breast-ovarian cancer, familial, susceptibility to, 5. Last evaluated: 2026-08-06. Review status: criteria provided, single submitter. Criteria: ACMG Guidelines 2015 PMID 25741868. Collection method: clinical testing. Allele origin: germline. Inheritance: Autosomal recessive inheritance.
Comment: This frameshift variant, located in exon 4 (of 13), is absent from gnomAD and has not been identified in the literature. However, it has been reported in ClinVar (accession VCV000422222.19). This variant causes a frameshift and introduces a premature stop codon, which is predicted to result in either a truncated protein or degradation of the mRNA via nonsense-mediated decay (NMD). According to the currently available evidence, this variant has been classified as likely pathogenic (PVS1_VS, PM2_P).

Labcorp Genetics (formerly Invitae), Labcorp
Classification: Pathogenic for Familial cancer of breast. Last evaluated: 2025-10-21. Review status: criteria provided, single submitter. Criteria: Invitae Variant Classification Sherloc (09022015). Collection method: clinical testing. Allele origin: germline.
Comment: This sequence change creates a premature translational stop signal (p.Lys75Metfs*4) in the PALB2 gene. It is expected to result in an absent or disrupted protein product. Loss-of-function variants in PALB2 are known to be pathogenic (PMID: 17200668, 17200671, 17200672, 24136930, 25099575). This variant is not present in population databases (gnomAD no frequency). This variant has not been reported in the literature in individuals affected with PALB2-related conditions. ClinVar contains an entry for this variant (Variation ID: 422222). For these reasons, this variant has been classified as Pathogenic.

Ambry Genetics
Classification: Pathogenic for Hereditary cancer-predisposing syndrome. Last evaluated: 2025-05-06. Review status: criteria provided, single submitter. Criteria: Ambry Variant Classification Scheme 2023. Collection method: clinical testing. Allele origin: germline.
Comment: The c.224_228delAAATA pathogenic mutation, located in coding exon 4 of the PALB2 gene, results from a deletion of 5 nucleotides at nucleotide positions 224 to 228, causing a translational frameshift with a predicted alternate stop codon (p.K75Mfs*4). This variant is considered to be rare based on population cohorts in the Genome Aggregation Database (gnomAD). This alteration is expected to result in loss of function by premature protein truncation or nonsense-mediated mRNA decay. As such, this alteration is interpreted as a disease-causing mutation.

Myriad Genetics, Inc.
Classification: Pathogenic for Familial cancer of breast. Last evaluated: 2023-09-06. Review status: criteria provided, single submitter. Criteria: Myriad Autosomal Dominant, Autosomal Recessive and X-Linked Classification Criteria (2023). Collection method: clinical testing. Allele origin: unknown.
Comment: This variant is considered pathogenic. This variant creates a frameshift predicted to result in premature protein truncation.

Baylor Genetics
Classification: Likely pathogenic for Familial cancer of breast. Last evaluated: 2021-11-07. Review status: criteria provided, single submitter. Criteria: ACMG Guidelines, 2015. Collection method: clinical testing. Allele origin: unknown.

Color Diagnostics, LLC DBA Color Health
Classification: Pathogenic for Hereditary cancer-predisposing syndrome. Last evaluated: 2019-11-11. Review status: criteria provided, single submitter. Criteria: ACMG Guidelines, 2015. Collection method: clinical testing. Allele origin: germline.
Comment: This variant deletes 5 nucleotides in exon 4 of the PALB2 gene, creating a frameshift and premature translation stop signal. This variant is expected to result in an absent or non-functional protein product. Splice site prediction tools suggest that this variant may not impact RNA splicing. To our knowledge, functional studies have not been performed for this variant. This variant has not been reported in individuals affected with hereditary cancer in the literature. This variant has not been identified in the general population by the Genome Aggregation Database (gnomAD). Loss of PALB2 function is a known mechanism of disease. Based on the available evidence, this variant is classified as Pathogenic.

GeneDx
Classification: Likely pathogenic. Last evaluated: 2016-09-08. Review status: criteria provided, single submitter. Criteria: GeneDx Variant Classification (06012015). Collection method: clinical testing. Allele origin: germline. Affected: yes.
Comment: This deletion of five nucleotides in PALB2 is denoted c.224_228delAAATA at the cDNA level and p.Lys75MetfsX4 (K75MfsX4) at the protein level. The normal sequence, with the bases that are deleted in braces, is AATA[AAATA]TGTG. The deletion causes a frameshift which changes a Lysine to a Methionine at codon 75, and creates a premature stop codon at position 4 of the new reading frame. Although this variant has not, to our knowledge, been reported in the literature, it is predicted to cause loss of normal protein function through either protein truncation or nonsense-mediated mRNA decay. Based on the currently available information, we consider this deletion to be a likely pathogenic variant.

Literature cited by the submitters: PubMed 17200668 (cited by Labcorp Genetics (formerly Invitae), Labcorp); PubMed 17200671 (cited by Labcorp Genetics (formerly Invitae), Labcorp); PubMed 17200672 (cited by Labcorp Genetics (formerly Invitae), Labcorp); PubMed 24136930 (cited by Labcorp Genetics (formerly Invitae), Labcorp); PubMed 25099575 (cited by Labcorp Genetics (formerly Invitae), Labcorp).